The following is an entry in ClinVar:

ClinVar aggregate classification (germline): Uncertain significance. Review status: criteria provided, multiple submitters, no conflicts (2 of 4 stars). 2 submissions from 2 submitters: Uncertain significance (2). Last evaluated 2026-02-13.

Conditions:
Cardiac conduction disease with or without dilated cardiomyopathy 1. Also called: CARDIAC CONDUCTION DISEASE WITH OR WITHOUT CARDIOMYOPATHY 1. Identifiers: MedGen C6065889, MONDO:0700388, OMIM 616117.

Allele frequency attached by ClinVar (database versions not stated): gnomAD exomes 0.00003 and 0.00001; TOPMed 0.00003; ESP Exome Variant Server 0.00008; ExAC 0.00001; gnomAD 0.00002.
gnomAD v4.1: 52 of 1,612,038 alleles (0.0032%); highest among the groups gnomAD compares: Non-Finnish European, 0.0042%; no homozygotes.

Submissions (2):

OLLIN Analises Genomicas, OLLIN
Classification: Uncertain significance for Cardiac conduction disease with or without dilated cardiomyopathy 1. Last evaluated: 2026-02-13. Review status: criteria provided, single submitter. Criteria: ACMG Guidelines 2015 PMID 25741868. Collection method: clinical testing. Allele origin: germline. Observed: 1 variant allele.

Labcorp Genetics (formerly Invitae), Labcorp
Classification: Uncertain significance. Last evaluated: 2026-01-12. Review status: criteria provided, single submitter. Criteria: Invitae Variant Classification Sherloc (09022015). Collection method: clinical testing. Allele origin: germline.
Comment: This sequence change replaces cysteine, which is neutral and slightly polar, with tyrosine, which is neutral and polar, at codon 413 of the TNNI3K protein (p.Cys413Tyr). This variant is present in population databases (rs199835751, gnomAD 0.004%). This variant has not been reported in the literature in individuals affected with TNNI3K-related conditions. ClinVar contains an entry for this variant (Variation ID: 1370856). Invitae Evidence Modeling of protein sequence and biophysical properties (such as structural, functional, and spatial information, amino acid conservation, physicochemical variation, residue mobility, and thermodynamic stability) indicates that this missense variant is not expected to disrupt TNNI3K protein function with a negative predictive value of 80%. In summary, the available evidence is currently insufficient to determine the role of this variant in disease. Therefore, it has been classified as a Variant of Uncertain Significance.

NM_015978.3(TNNI3K):c.1238G>A (p.Cys413Tyr)

Genes: FPGT-TNNI3K (FPGT-TNNI3K readthrough; plus strand), TNNI3K (TNNI3 interacting kinase; plus strand). Cytogenetic location: 1p31.1.
Variant type: single nucleotide variant.
Coding change: c.1238G>A on transcript NM_015978.3 (MANE Select); coding-DNA position 1238, G replaced by A.
Protein change: p.Cys413Tyr; replaces cysteine 413 with tyrosine.
Molecular consequence: missense variant.
Genome position (GRCh38, 1-based): chr1:74,367,316, G>A. VCF-style: chr1-74367316-G-A. GRCh37 (hg19) VCF-style: chr1-74833000-G-A.
Other names: c.1541G>A, p.Cys514Tyr (NM_001112808.3, NM_001199327.2); short protein forms C413Y, C514Y.
Identifiers: ClinVar variation 1370856 (VCV001370856.7), dbSNP rs199835751, ClinGen allele CA909202.